The following is an entry in ClinVar:

NM_001386795.1(DTNA):c.271C>G (p.Gln91Glu)

Gene: DTNA (dystrobrevin alpha; plus strand). Cytogenetic location: 18q12.1.
Variant type: single nucleotide variant.
Coding change: c.271C>G on transcript NM_001386795.1 (MANE Select); coding-DNA position 271, C replaced by G.
Protein change: p.Gln91Glu; replaces glutamine 91 with glutamic acid.
Molecular consequence: missense variant.
Genome position (GRCh38, 1-based): chr18:34,794,159, C>G. VCF-style: chr18-34794159-C-G. GRCh37 (hg19) VCF-style: chr18-32374123-C-G.
Other names: c.271C>G, p.Gln91Glu (NM_001128175.2, NM_001198938.2, NM_001198939.2 and 35 more transcripts); short protein forms Q91E.
Identifiers: ClinVar variation 2695447 (VCV002695447.3), dbSNP rs1400410105, ClinGen allele CA402275010.

ClinVar aggregate classification (germline): Uncertain significance (1 of 4 stars; one submission).

Conditions:
Left ventricular noncompaction 1 (LVNC1). Also called: LEFT VENTRICULAR NONCOMPACTION 1 WITH OR WITHOUT CONGENITAL HEART DEFECTS. Identifiers: Orphanet 54260, MedGen C1858725, MONDO:0011403, OMIM 604169.

Submission:

Labcorp Genetics (formerly Invitae), Labcorp
Classification: Uncertain significance for Left ventricular noncompaction 1. Last evaluated: 2023-11-13. Review status: criteria provided, single submitter. Criteria: Invitae Variant Classification Sherloc (09022015). Collection method: clinical testing. Allele origin: germline.
Comment: This sequence change replaces glutamine, which is neutral and polar, with glutamic acid, which is acidic and polar, at codon 91 of the DTNA protein (p.Gln91Glu). This variant is not present in population databases (gnomAD no frequency). This variant has not been reported in the literature in individuals affected with DTNA-related conditions. Advanced modeling of protein sequence and biophysical properties (such as structural, functional, and spatial information, amino acid conservation, physicochemical variation, residue mobility, and thermodynamic stability) has been performed at Invitae for this missense variant, however the output from this modeling did not meet the statistical confidence thresholds required to predict the impact of this variant on DTNA protein function. In summary, the available evidence is currently insufficient to determine the role of this variant in disease. Therefore, it has been classified as a Variant of Uncertain Significance.